The following is an entry in ClinVar:

ClinVar aggregate classification (germline): Uncertain significance. Review status: criteria provided, multiple submitters, no conflicts (2 of 4 stars). 2 submissions from 2 submitters: Uncertain significance (2). Last evaluated 2025-09-10.

Conditions:
PRPF3-related disorder. Also called: PRPF3-related condition.

Allele frequency attached by ClinVar (database versions not stated): gnomAD exomes 0.00001 and 0.00004; ExAC 0.00002; gnomAD 0.00002; TOPMed 0.00003; ESP Exome Variant Server 0.00008.

Submissions (2):

Labcorp Genetics (formerly Invitae), Labcorp
Classification: Uncertain significance. Last evaluated: 2025-09-10. Review status: criteria provided, single submitter. Criteria: Invitae Variant Classification Sherloc (09022015). Collection method: clinical testing. Allele origin: germline.
Comment: This sequence change replaces arginine, which is basic and polar, with glutamine, which is neutral and polar, at codon 180 of the PRPF3 protein (p.Arg180Gln). This variant is present in population databases (rs375363471, gnomAD 0.03%). This missense change has been observed in individuals with clinical features of retinitis pigmentosa (internal data). ClinVar contains an entry for this variant (Variation ID: 1038420). Invitae Evidence Modeling of protein sequence and biophysical properties (such as structural, functional, and spatial information, amino acid conservation, physicochemical variation, residue mobility, and thermodynamic stability) indicates that this missense variant is not expected to disrupt PRPF3 protein function with a negative predictive value of 95%. In summary, the available evidence is currently insufficient to determine the role of this variant in disease. Therefore, it has been classified as a Variant of Uncertain Significance.

PreventionGenetics, part of Exact Sciences
Classification: Uncertain significance for PRPF3-related condition. Last evaluated: 2024-12-20. Review status: criteria provided, single submitter. Criteria: ACMG Guidelines, 2015. Collection method: clinical testing. Allele origin: germline.
Comment: The PRPF3 c.539G>A variant is predicted to result in the amino acid substitution p.Arg180Gln. To our knowledge, this variant has not been reported in the literature. This variant is reported in 0.028% of alleles in individuals of Latino descent in gnomAD. Although we suspect that this variant may be benign, at this time, the clinical significance of this variant is uncertain due to the absence of conclusive functional and genetic evidence.

NM_004698.4(PRPF3):c.539G>A (p.Arg180Gln)

Gene: PRPF3 (pre-mRNA processing factor 3; plus strand). Cytogenetic location: 1q21.2.
Variant type: single nucleotide variant.
Coding change: c.539G>A on transcript NM_004698.4 (MANE Select); coding-DNA position 539, G replaced by A.
Protein change: p.Arg180Gln; replaces arginine 180 with glutamine.
Molecular consequence: missense variant. On other transcripts: non-coding transcript variant (4).
Genome position (GRCh38, 1-based): chr1:150,333,010, G>A. VCF-style: chr1-150333010-G-A. GRCh37 (hg19) VCF-style: chr1-150305481-G-A.
Other names: c.539G>A (NM_004698.2); c.134G>A, p.Arg45Gln (NM_001350529.1); short protein forms R180Q, R45Q.
Identifiers: ClinVar variation 1038420 (VCV001038420.9), dbSNP rs375363471, ClinGen allele CA1075465.